The following is an entry in ClinVar:

ClinVar aggregate classification (germline): Conflicting classifications of pathogenicity. Review status: criteria provided, conflicting classifications (1 of 4 stars). 3 submissions from 3 submitters: Likely pathogenic (1); Uncertain significance (2). Last evaluated 2026-04-14.

Conditions:
Familial intrahepatic cholestasis. Identifiers: Orphanet 284385, MedGen CN296401, MONDO:0017290.
Progressive familial intrahepatic cholestasis type 2. Identifiers: Orphanet 79304, MedGen C3489789, MONDO:0011156, OMIM 601847.

Allele frequency attached by ClinVar (database versions not stated): gnomAD exomes below 0.00001; gnomAD 0.00001.
gnomAD v4.1: 3 of 1,613,490 alleles (0.00019%); highest among the groups gnomAD compares: East Asian, 0.0022%; no homozygotes.

Submissions (3):

Genomenon, Inc
Classification: Uncertain significance for Familial intrahepatic cholestasis. Last evaluated: 2026-04-14. Review status: criteria provided, single submitter. Criteria: Genomenon Sequence Variant Interpretation Standards - Updated. Collection method: curation. Allele origin: germline. Affected: yes.
Comment: ABCB11 p.Ala1028Val (c.3083C>T) is a missense variant that changes the amino acid at residue 1028 from Alanine to Valine. This variant has been observed in at least one proband with an ABCB11-related disorder (PMID:39768432;35780807;34013234). It is absent or not present at a significant frequency in gnomAD. In conclusion, we classify ABCB11 p.Ala1028Val (c.3083C>T) as a variant of uncertain significance.

Broad Center for Mendelian Genomics, Broad Institute of MIT and Harvard
Classification: Uncertain significance for Progressive familial intrahepatic cholestasis type 2. Last evaluated: 2025-01-23. Review status: criteria provided, single submitter. Criteria: ACMG Guidelines, 2015. Collection method: curation. Allele origin: germline. Inheritance: Autosomal recessive inheritance.
Comment: The p.Ala1028Val variant in ABCB11 has not been previously reported in the literature in individuals with BSEP deficiency, but has been identified in 0.002% (1/44884) of East Asian chromosomes by the Genome Aggregation Database (gnomAD; dbSNP rs1171209104). Although this variant has been seen in the general population in a heterozygous state, its frequency is low enough to be consistent with a recessive carrier frequency. This variant has also been reported in ClinVar (Variation ID: 1701395) and has been interpreted as likely pathogenic by CeGaT Center for Human Genetics Tuebingen. Computational prediction tools and conservation analyses do not provide strong support for or against an impact to the protein. In summary, while there is some suspicion for a pathogenic role, the clinical significance of this variant is uncertain. ACMG/AMP Criteria applied: PM2_supporting (Richards 2015).

CeGaT Center for Human Genetics Tuebingen
Classification: Likely pathogenic. Last evaluated: 2019-08-01. Review status: criteria provided, single submitter. Criteria: CeGaT Center For Human Genetics Tuebingen Variant Classification Criteria Version 2. Collection method: clinical testing. Allele origin: germline. Affected: yes. Observed: 1 variant allele.

Literature cited by the submitters: PubMed 39768432 (cited by Genomenon, Inc); PubMed 35780807 (cited by Genomenon, Inc); PubMed 34013234 (cited by Genomenon, Inc).

NM_003742.4(ABCB11):c.3083C>T (p.Ala1028Val)

Gene: ABCB11 (ATP binding cassette subfamily B member 11; minus strand). Cytogenetic location: 2q31.1.
Variant type: single nucleotide variant.
Coding change: c.3083C>T on transcript NM_003742.4 (MANE Select); coding-DNA position 3083, C replaced by T.
Protein change: p.Ala1028Val; replaces alanine 1028 with valine.
Molecular consequence: missense variant.
Genome position (GRCh38, 1-based): chr2:168,932,507, G>A on the plus strand (C>T on the coding strand, the complement: ABCB11 is on the minus strand). VCF-style: chr2-168932507-G-A. GRCh37 (hg19) VCF-style: chr2-169789017-G-A.
Other names: NM_003742.4(ABCB11):c.3083C>T; p.Ala1028Val; short protein forms A1028V.
Identifiers: ClinVar variation 1701395 (VCV001701395.33), dbSNP rs1171209104, ClinGen allele CA349122576.
Genomic context (GRCh38, chr2:168,932,507, plus strand): 5'-GCTGATATTTTAGCTTTTGCATAACTTGGGGTGTAAGAGAAGGCTCTTCCAAGAGCTGTT[G>A]CACTCAGTACAACTGCAGAGATCACCCTGTAACCAGACAGACACACAGGAAGAGAGCAGG-3'
Protein context (NP_003733.2, residues 1018-1038): FRVISAVVLS[Ala1028Val]TALGRAFSYT